The following is an entry in ClinVar:

ClinVar aggregate classification (germline): Uncertain significance (1 of 4 stars; one submission).

Submission:

Labcorp Genetics (formerly Invitae), Labcorp
Classification: Uncertain significance. Last evaluated: 2025-11-04. Review status: criteria provided, single submitter. Criteria: Invitae Variant Classification Sherloc (09022015). Collection method: clinical testing. Allele origin: germline.
Comment: This sequence change creates a premature translational stop signal (p.Glu4*) in the GUCA1B gene. It is expected to result in an absent or disrupted protein product. However, the current clinical and genetic evidence is not sufficient to establish whether loss-of-function variants in GUCA1B cause disease. This variant is not present in population databases (gnomAD no frequency). This variant has not been reported in the literature in individuals affected with GUCA1B-related conditions. ClinVar contains an entry for this variant (Variation ID: 3613524). In summary, the available evidence is currently insufficient to determine the role of this variant in disease. Therefore, it has been classified as a Variant of Uncertain Significance.

NM_002098.6(GUCA1B):c.10G>T (p.Glu4Ter)

Gene: GUCA1B (guanylate cyclase activator 1B; minus strand). Cytogenetic location: 6p21.1.
Variant type: single nucleotide variant.
Coding change: c.10G>T on transcript NM_002098.6 (MANE Select); coding-DNA position 10, G replaced by T.
Protein change: p.Glu4Ter; replaces glutamic acid 4 with a stop codon.
Molecular consequence: nonsense.
Genome position (GRCh38, 1-based): chr6:42,194,811, C>A on the plus strand (G>T on the coding strand, the complement: GUCA1B is on the minus strand). VCF-style: chr6-42194811-C-A. GRCh37 (hg19) VCF-style: chr6-42162549-C-A.
Other names: short protein forms E4*.
Identifiers: ClinVar variation 3613524 (VCV003613524.2).